The following is an entry in ClinVar:

NM_001329943.3(KIAA0586):c.2547_2551del (p.Trp849_Lys851delinsTer)

Gene: KIAA0586 (KIAA0586; plus strand). Cytogenetic location: 14q23.1.
Variant type: Deletion.
Coding change: c.2547_2551del on transcript NM_001329943.3 (MANE Select); coding-DNA positions 2547 to 2551, 5 bases deleted (GATAA; older notation c.2547_2551delGATAA).
Protein change: p.Trp849_Lys851delinsTer.
Molecular consequence: nonsense.
Genome position (GRCh38, 1-based): chr14:58,470,717-58,470,721, GATAA deleted. VCF-style (leftmost placement, unchanged base first): chr14-58470716-GGATAA-G. GRCh37 (hg19) VCF-style: chr14-58937434-GGATAA-G.
Other names: c.2127_2131del, p.Trp709_Lys711delinsTer (NM_001244193.2); c.2547_2551del, p.Trp849_Lys851delinsTer (NM_001329944.2, NM_001329946.2, NM_001329947.2); c.2292_2296del, p.Trp764_Lys766delinsTer (NM_001329945.2, NM_001364700.1, NM_001364701.2 and 1 more transcripts); c.2319_2323del, p.Trp773_Lys775delinsTer (NM_014749.5); c.2706_2710del, p.Trp902_Lys904delinsTer (NM_001244189.2); c.2502_2506del, p.Trp834_Lys836delinsTer (NM_001244190.2); c.2415_2419del, p.Trp805_Lys807delinsTer (NM_001244192.2).
Identifiers: ClinVar variation 5019540 (VCV005019540.2).

ClinVar aggregate classification (germline): Likely pathogenic (1 of 4 stars; one submission).

Conditions:
Short-rib thoracic dysplasia 14 with polydactyly (SRTD14). Identifiers: Orphanet 397715, MedGen C4225286, MONDO:0014688, OMIM 616546.
Joubert syndrome 23 (JBTS23). Identifiers: Orphanet 475, MedGen C4084822, MONDO:0014664, OMIM 616490.

Submission:

Juno Genomics, Hangzhou Juno Genomics, Inc
Classification: Likely pathogenic for Joubert syndrome 23; Short-rib thoracic dysplasia 14 with polydactyly. Review status: criteria provided, single submitter. Criteria: ACMG Guidelines, 2015. Collection method: clinical testing. Allele origin: germline.
Comment: Absent from controls (or at extremely low frequency if recessive) in Genome Aggregation Database.;Null variant in a gene where loss of function (LOF) is a known mechanism of disease.